The following is an entry in ClinVar:

ClinVar aggregate classification (germline): Uncertain significance (1 of 4 stars; one submission).

Conditions:
Hereditary cancer-predisposing syndrome. Also called: Tumor predisposition; Neoplastic Syndromes, Hereditary; Hereditary neoplastic syndrome; Hereditary Cancer Syndrome. Identifiers: Orphanet 140162, MedGen C0027672, MeSH D009386, MONDO:0015356.

Submission:

Ambry Genetics
Classification: Uncertain significance for Hereditary cancer-predisposing syndrome. Last evaluated: 2025-08-27. Review status: criteria provided, single submitter. Criteria: Ambry Variant Classification Scheme 2023. Collection method: clinical testing. Allele origin: germline.
Comment: The p.S518G variant (also known as c.1552A>G), located in coding exon 16 of the MUTYH gene, results from an A to G substitution at nucleotide position 1552. The serine at codon 518 is replaced by glycine, an amino acid with similar properties. This amino acid position is conserved. In addition, this alteration is predicted to be tolerated by in silico analysis. Based on the available evidence, the clinical significance of this variant remains unclear.

NM_001048174.2(MUTYH):c.1468A>G (p.Ser490Gly)

Gene: MUTYH (mutY DNA glycosylase; minus strand). Cytogenetic location: 1p34.1.
Variant type: single nucleotide variant.
Coding change: c.1468A>G on transcript NM_001048174.2 (MANE Select); coding-DNA position 1468, A replaced by G.
Protein change: p.Ser490Gly; replaces serine 490 with glycine.
Molecular consequence: missense variant. On other transcripts: non-coding transcript variant (7).
Genome position (GRCh38, 1-based): chr1:45,329,404, T>C on the plus strand (A>G on the coding strand, the complement: MUTYH is on the minus strand). VCF-style: chr1-45329404-T-C. GRCh37 (hg19) VCF-style: chr1-45795076-T-C.
Other names: c.1468A>G, p.Ser490Gly (NM_001048171.2, NM_001048173.2, NM_001293195.2 and 6 more transcripts); c.1471A>G, p.Ser491Gly (NM_001048172.2, NM_001407071.1, NM_001407086.1 and 1 more transcripts); c.1552A>G, p.Ser518Gly (NM_001128425.2); c.1513A>G, p.Ser505Gly (NM_001293190.2); c.1501A>G, p.Ser501Gly (NM_001293191.2, NM_001407069.1, NM_001407077.1); c.1192A>G, p.Ser398Gly (NM_001293192.2, NM_001293196.2, NM_001407091.1); c.1123A>G, p.Ser375Gly (NM_001350650.2, NM_001350651.2, NM_001407082.1); c.1510A>G, p.Ser504Gly (NM_001407085.1, NM_001407083.1); and 5 more; short protein forms S398G, S476G, S491G, S504G, S518G, S375G, S462G, S501G.
Identifiers: ClinVar variation 4113353 (VCV004113353.1).